The following is an entry in ClinVar:

ClinVar aggregate classification (germline): Uncertain significance (1 of 4 stars; one submission).

Submission:

Labcorp Genetics (formerly Invitae), Labcorp
Classification: Uncertain significance. Last evaluated: 2022-05-31. Review status: criteria provided, single submitter. Criteria: Invitae Variant Classification Sherloc (09022015). Collection method: clinical testing. Allele origin: germline.
Comment: This sequence change replaces glutamic acid, which is acidic and polar, with valine, which is neutral and non-polar, at codon 156 of the LCA5 protein (p.Glu156Val). This variant is not present in population databases (gnomAD no frequency). This variant has not been reported in the literature in individuals affected with LCA5-related conditions. Algorithms developed to predict the effect of missense changes on protein structure and function are either unavailable or do not agree on the potential impact of this missense change (SIFT: "Deleterious"; PolyPhen-2: "Probably Damaging"; Align-GVGD: "Class C0"). In summary, the available evidence is currently insufficient to determine the role of this variant in disease. Therefore, it has been classified as a Variant of Uncertain Significance.

NM_001122769.3(LCA5):c.467A>T (p.Glu156Val)

Gene: LCA5 (lebercilin LCA5; minus strand). Cytogenetic location: 6q14.1.
Variant type: single nucleotide variant.
Coding change: c.467A>T on transcript NM_001122769.3 (MANE Select); coding-DNA position 467, A replaced by T.
Protein change: p.Glu156Val; replaces glutamic acid 156 with valine.
Molecular consequence: missense variant.
Genome position (GRCh38, 1-based): chr6:79,513,465, T>A on the plus strand (A>T on the coding strand, the complement: LCA5 is on the minus strand). VCF-style: chr6-79513465-T-A. GRCh37 (hg19) VCF-style: chr6-80223182-T-A.
Other names: c.467A>T, p.Glu156Val (NM_181714.4); short protein forms E156V.
Identifiers: ClinVar variation 1990530 (VCV001990530.1), dbSNP rs2533439349, ClinGen allele CA364628849.